The following is an entry in ClinVar:

NM_001199107.2(TBC1D24):c.503T>C (p.Leu168Pro)

Gene: TBC1D24 (TBC1 domain family member 24; plus strand). Cytogenetic location: 16p13.3.
Variant type: single nucleotide variant.
Coding change: c.503T>C on transcript NM_001199107.2 (MANE Select); coding-DNA position 503, T replaced by C.
Protein change: p.Leu168Pro; replaces leucine 168 with proline.
Molecular consequence: missense variant.
Genome position (GRCh38, 1-based): chr16:2,496,651, T>C. VCF-style: chr16-2496651-T-C. GRCh37 (hg19) VCF-style: chr16-2546652-T-C.
Other names: c.503T>C, p.Leu168Pro (NM_020705.3); c.503T>C (NM_001199107.1); short protein forms L168P.
Identifiers: ClinVar variation 1021834 (VCV001021834.9), dbSNP rs770847294, ClinGen allele CA7844015.

ClinVar aggregate classification (germline): Uncertain significance. Review status: criteria provided, multiple submitters, no conflicts (2 of 4 stars). 3 submissions from 3 submitters: Uncertain significance (3). Last evaluated 2025-12-30.

Conditions:
Inborn genetic diseases. Identifiers: MedGen C0950123, MeSH D030342.
Developmental and epileptic encephalopathy, 1 (DEE1). Also called: X-linked infantile spasms; West's syndrome; Tonic spasms with clustering, arrest of psychomotor development and hypsarrhythmia on EEG; X-Linked Infantile Spasm Syndrome; OHTAHARA SYNDROME, X-LINKED; Epileptic encephalopathy, early infantile, 1. Identifiers: MedGen C3463992, MONDO:0010632, OMIM 308350. Disease mechanism: loss of function.
Autosomal dominant nonsyndromic hearing loss 65. Also called: Deafness, autosomal dominant 65; TBC1D24-Related Autosomal Dominant Nonsyndromic Hearing Loss (DFNA). Identifiers: Orphanet 90635, MedGen C3892048, MONDO:0014470, OMIM 616044.

Allele frequency attached by ClinVar (database versions not stated): gnomAD exomes 0.00002 and 0.00001; TOPMed 0.00003; ExAC 0.00001; gnomAD 0.00001.
gnomAD v4.1: 36 of 1,612,664 alleles (0.0022%); highest among the groups gnomAD compares: Non-Finnish European, 0.0025%; no homozygotes.

Submissions (3):

Labcorp Genetics (formerly Invitae), Labcorp
Classification: Uncertain significance for Developmental and epileptic encephalopathy, 1; Autosomal dominant nonsyndromic hearing loss 65. Last evaluated: 2025-12-30. Review status: criteria provided, single submitter. Criteria: Invitae Variant Classification Sherloc (09022015). Collection method: clinical testing. Allele origin: germline.
Comment: This sequence change replaces leucine, which is neutral and non-polar, with proline, which is neutral and non-polar, at codon 168 of the TBC1D24 protein (p.Leu168Pro). This variant is present in population databases (rs770847294, gnomAD 0.002%). This variant has not been reported in the literature in individuals affected with TBC1D24-related conditions. ClinVar contains an entry for this variant (Variation ID: 1021834). Invitae Evidence Modeling of protein sequence and biophysical properties (such as structural, functional, and spatial information, amino acid conservation, physicochemical variation, residue mobility, and thermodynamic stability) has been performed for this missense variant. However, the output from this modeling did not meet the statistical confidence thresholds required to predict the impact of this variant on TBC1D24 protein function. In summary, the available evidence is currently insufficient to determine the role of this variant in disease. Therefore, it has been classified as a Variant of Uncertain Significance.

Ambry Genetics
Classification: Uncertain significance for Inborn genetic diseases. Last evaluated: 2024-08-28. Review status: criteria provided, single submitter. Criteria: Ambry Variant Classification Scheme 2023. Collection method: clinical testing. Allele origin: germline.

GeneDx
Classification: Uncertain significance. Last evaluated: 2023-08-22. Review status: criteria provided, single submitter. Criteria: GeneDx Variant Classification Process June 2021. Collection method: clinical testing. Allele origin: germline. Affected: yes.
Comment: Not observed at significant frequency in large population cohorts (gnomAD); In silico analysis supports that this missense variant has a deleterious effect on protein structure/function; This variant is associated with the following publications: (PMID: 27694994)